The following is an entry in ClinVar:

ClinVar aggregate classification (germline): Uncertain significance (1 of 4 stars; one submission).

Submission:

GeneDx
Classification: Uncertain significance. Last evaluated: 2024-05-30. Review status: criteria provided, single submitter. Criteria: GeneDx Variant Classification Process June 2021. Collection method: clinical testing. Allele origin: germline. Affected: yes.
Comment: Not observed at significant frequency in large population cohorts (gnomAD); In silico analysis supports that this missense variant has a deleterious effect on protein structure/function; Has not been previously published as pathogenic or benign to our knowledge

NM_001931.5(DLAT):c.1907G>C (p.Arg636Thr)

Genes: DLAT (dihydrolipoamide S-acetyltransferase; plus strand), PIH1D2 (PIH1 domain containing 2; minus strand). Cytogenetic location: 11q23.1.
Variant type: single nucleotide variant.
Coding change: c.1907G>C on transcript NM_001931.5 (MANE Select); coding-DNA position 1907, G replaced by C.
Protein change: p.Arg636Thr; replaces arginine 636 with threonine.
Molecular consequence: missense variant. On other transcripts: non-coding transcript variant (1).
Genome position (GRCh38, 1-based): chr11:112,062,498, G>C. VCF-style: chr11-112062498-G-C. GRCh37 (hg19) VCF-style: chr11-111933222-G-C.
Other names: c.1925G>C, p.Arg642Thr (NM_001372031.1); c.1901G>C, p.Arg634Thr (NM_001372032.1); c.1886G>C, p.Arg629Thr (NM_001372033.1); c.1874G>C, p.Arg625Thr (NM_001372034.1); c.1799G>C, p.Arg600Thr (NM_001372035.1); c.1781G>C, p.Arg594Thr (NM_001372036.1); c.1739G>C, p.Arg580Thr (NM_001372037.1); c.1628G>C, p.Arg543Thr (NM_001372038.1); and 4 more; short protein forms R482T, R495T, R509T, R531T, R543T, R580T, R594T, R600T.
Identifiers: ClinVar variation 3383782 (VCV003383782.1).